The following is an entry in ClinVar:

ClinVar aggregate classification (germline): Uncertain significance (1 of 4 stars; one submission).

Conditions:
Gastrointestinal stromal tumor. Also called: Gastrointestinal stromal tumor, somatic; Gastrointestinal stroma tumor. Identifiers: Orphanet 44890, MedGen C0238198, MeSH D046152, MONDO:0011719, OMIM 606764, HP:0100723.

Submission:

Labcorp Genetics (formerly Invitae), Labcorp
Classification: Uncertain significance for Gastrointestinal stromal tumor. Last evaluated: 2020-03-08. Review status: criteria provided, single submitter. Criteria: Invitae Variant Classification Sherloc (09022015). Collection method: clinical testing. Allele origin: germline.
Comment: This variant, c.2380_2385del, results in the deletion of 2 amino acid(s) of the PDGFRA protein (p.Asp794_Leu795del), but otherwise preserves the integrity of the reading frame. This variant is not present in population databases (ExAC no frequency). In summary, the available evidence is currently insufficient to determine the role of this variant in disease. Therefore, it has been classified as a Variant of Uncertain Significance. Experimental studies and prediction algorithms are not available or were not evaluated, and the functional significance of this variant is currently unknown. This variant has not been reported in the literature in individuals with PDGFRA-related conditions.

NM_006206.6(PDGFRA):c.2380_2385del (p.Asp794_Leu795del)

Gene: PDGFRA (platelet derived growth factor receptor alpha; plus strand). Cytogenetic location: 4q12.
Variant type: Deletion.
Coding change: c.2380_2385del on transcript NM_006206.6 (MANE Select); coding-DNA positions 2380 to 2385, 6 bases deleted (GATTTG; older notation c.2380_2385delGATTTG).
Protein change: p.Asp794_Leu795del.
Molecular consequence: inframe deletion.
Genome position (GRCh38, 1-based): chr4:54,285,427-54,285,432, GATTTG deleted; deleting any 6 consecutive bases within chr4:54,285,424-54,285,432 gives the same sequence; the c. name uses the placement nearest the transcript's 3' end. VCF-style (leftmost placement, unchanged base first): chr4-54285423-ATTGGAT-A. GRCh37 (hg19) VCF-style: chr4-55151590-ATTGGAT-A.
Other names: c.2455_2460del, p.Asp819_Leu820del (NM_001347828.2); c.2380_2385del, p.Asp794_Leu795del (NM_001347829.2); c.2419_2424del, p.Asp807_Leu808del (NM_001347830.2).
Identifiers: ClinVar variation 1062885 (VCV001062885.9), dbSNP rs2110335723, ClinGen allele CA2499217242.
Genomic context (GRCh38, chr4:54,285,423, plus strand): 5'-TTCTGCAGACTCAGAAGTCAAAAACCTCCTTTCAGATGATAACTCAGAAGGCCTTACTTT[ATTGGAT>A]TTGTTGAGCTTCACCTATCAAGTTGCCCGAGGAATGGAGTTTTTGGCTTCAAAAAATGTA-3'